The following is an entry in ClinVar:

NM_001261826.3(AP3D1):c.3227C>T (p.Ala1076Val)

Gene: AP3D1 (adaptor related protein complex 3 subunit delta 1; minus strand). Cytogenetic location: 19p13.3.
Variant type: single nucleotide variant.
Coding change: c.3227C>T on transcript NM_001261826.3 (MANE Select); coding-DNA position 3227, C replaced by T.
Protein change: p.Ala1076Val; replaces alanine 1076 with valine.
Molecular consequence: missense variant.
Genome position (GRCh38, 1-based): chr19:2,110,173, G>A on the plus strand (C>T on the coding strand, the complement: AP3D1 is on the minus strand). VCF-style: chr19-2110173-G-A. GRCh37 (hg19) VCF-style: chr19-2110172-G-A.
Other names: c.3191C>T, p.Ala1064Val (NM_001374799.1); c.3041C>T, p.Ala1014Val (NM_003938.8); c.3041C>T (NM_003938.5); short protein forms A1014V, A1076V, A1064V.
Identifiers: ClinVar variation 1935717 (VCV001935717.8), dbSNP rs1451276476, ClinGen allele CA403201597.

ClinVar aggregate classification (germline): Uncertain significance. Review status: criteria provided, multiple submitters, no conflicts (2 of 4 stars). 2 submissions from 2 submitters: Uncertain significance (2). Last evaluated 2025-12-11.

Conditions:
Inborn genetic diseases. Identifiers: MedGen C0950123, MeSH D030342.

Allele frequency attached by ClinVar (database versions not stated): gnomAD exomes 0.00001; TOPMed 0.00002.
gnomAD v4.1: 18 of 1,612,924 alleles (0.0011%); highest among the groups gnomAD compares: East Asian, 0.0045%; no homozygotes.

Submissions (2):

Ambry Genetics
Classification: Uncertain significance for Inborn genetic diseases. Last evaluated: 2025-12-11. Review status: criteria provided, single submitter. Criteria: Ambry Variant Classification Scheme 2023. Collection method: clinical testing. Allele origin: germline.

Labcorp Genetics (formerly Invitae), Labcorp
Classification: Uncertain significance. Last evaluated: 2025-07-02. Review status: criteria provided, single submitter. Criteria: Invitae Variant Classification Sherloc (09022015). Collection method: clinical testing. Allele origin: germline.
Comment: This sequence change replaces alanine, which is neutral and non-polar, with valine, which is neutral and non-polar, at codon 1076 of the AP3D1 protein (p.Ala1076Val). This variant is present in population databases (no rsID available, gnomAD 0.006%). This variant has not been reported in the literature in individuals affected with AP3D1-related conditions. ClinVar contains an entry for this variant (Variation ID: 1935717). An algorithm developed to predict the effect of missense changes on protein structure and function (PolyPhen-2) suggests that this variant is likely to be tolerated. In summary, the available evidence is currently insufficient to determine the role of this variant in disease. Therefore, it has been classified as a Variant of Uncertain Significance.